The following is an entry in ClinVar:

ClinVar aggregate classification (germline): Conflicting classifications of pathogenicity. Review status: criteria provided, conflicting classifications (1 of 4 stars). 9 submissions from 8 submitters: Uncertain significance (2); Benign (3); Likely benign (4). Last evaluated 2026-01-26.

Conditions:
Familial hyperinsulinism. Also called: Congenital hyperinsulinism. Identifiers: Orphanet 276525, MedGen C3888018, MONDO:0017182. Disease mechanism: loss of function.
Maturity-onset diabetes of the young type 1. Also called: MILD JUVENILE DIABETES MELLITUS; MODY type 1; Diabetes mellitus MODY type 1; MODY HNF4A related; HNF4A-Related Maturity-Onset Diabetes of the Young Type 1; MODY, type I. Identifiers: Orphanet 552, MedGen C1852093, MONDO:0007452, OMIM 125850. Disease mechanism: loss of function.

Allele frequency attached by ClinVar (database versions not stated): TOPMed 0.00068; gnomAD 0.00070; 1000 Genomes Project 30x 0.00078; gnomAD exomes 0.00078 and 0.00124; 1000 Genomes Project 0.00080; ExAC 0.00106; ESP Exome Variant Server 0.00108.
gnomAD v4.1: 1,902 of 1,595,128 alleles (0.12%); highest among the groups gnomAD compares: Non-Finnish European, 0.15%; 3 homozygotes.

Submissions (9):

Labcorp Genetics (formerly Invitae), Labcorp
Classification: Likely benign. Last evaluated: 2026-01-26. Review status: criteria provided, single submitter. Criteria: Invitae Variant Classification Sherloc (09022015). Collection method: clinical testing. Allele origin: germline.

Blueprint Genetics
Classification: Likely benign. Last evaluated: 2024-11-25. Review status: criteria provided, single submitter. Criteria: ACMG Guidelines, 2015. Collection method: clinical testing. Allele origin: germline.

Athena Diagnostics
Classification: Benign. Last evaluated: 2024-08-05. Review status: criteria provided, single submitter. Criteria: Athena Diagnostics Criteria. Collection method: clinical testing. Allele origin: unknown.

CeGaT Center for Human Genetics Tuebingen
Classification: Benign. Last evaluated: 2023-08-01. Review status: criteria provided, single submitter. Criteria: CeGaT Center For Human Genetics Tuebingen Variant Classification Criteria Version 2. Collection method: clinical testing. Allele origin: germline. Affected: yes. Observed: 2 variant alleles.
Comment: HNF4A: BP4, BS1, BS2

Genetic Services Laboratory, University of Chicago
Classification: Likely benign. Last evaluated: 2020-11-09. Review status: criteria provided, single submitter. Criteria: ACMG Guidelines, 2015. Collection method: clinical testing. Allele origin: germline. Affected: no.

Illumina Laboratory Services, Illumina
Classification: Benign for Maturity-onset diabetes of the young type 1. Last evaluated: 2017-04-27. Review status: criteria provided, single submitter. Criteria: ICSL Variant Classification Criteria 13 December 2019. Collection method: clinical testing. Allele origin: germline.
Comment: This variant was observed as part of a predisposition screen in an ostensibly healthy population. A literature search was performed for the gene, cDNA change, and amino acid change (where applicable). Publications were found based on this search. The evidence from the literature, in combination with allele frequency data from public databases where available, was sufficient to rule this variant out of causing disease. Therefore, this variant is classified as benign.

Illumina Laboratory Services, Illumina
Classification: Uncertain significance for Familial hyperinsulinism. Last evaluated: 2017-04-27. Review status: criteria provided, single submitter. Criteria: ICSL Variant Classification Criteria 13 December 2019. Collection method: clinical testing. Allele origin: germline.

GeneDx
Classification: Likely benign. Last evaluated: 2015-08-27. Review status: criteria provided, single submitter. Criteria: GeneDx Variant Classification (06012015). Collection method: clinical testing. Allele origin: germline. Affected: yes.
Comment: This variant is considered likely benign or benign based on one or more of the following criteria: it is a conservative change, it occurs at a poorly conserved position in the protein, it is predicted to be benign by multiple in silico algorithms, and/or has population frequency not consistent with disease.

Women's Health and Genetics/Laboratory Corporation of America, LabCorp
Classification: Uncertain significance for MODY1. Last evaluated: 2011-08-18. Review status: criteria provided, single submitter. Criteria: LabCorp Variant Classification Summary - May 2015. Collection method: curation, clinical testing. Allele origin: germline. Inheritance: autosomal unknown. Affected: yes.
ClinVar note: Converted during submission from uncertain to Uncertain significance.

Literature cited by the submitters: PubMed 26059258 (cited by Athena Diagnostics and Illumina Laboratory Services, Illumina).

NM_175914.5(HNF4A):c.426+6G>A

Gene: HNF4A (hepatocyte nuclear factor 4 alpha; plus strand). Cytogenetic location: 20q13.12.
Variant type: single nucleotide variant.
Coding change: c.426+6G>A on transcript NM_175914.5 (MANE Select); 6 bases into the intron after coding-DNA position 426, G replaced by A.
Molecular consequence: intron variant.
Genome position (GRCh38, 1-based): chr20:44,413,806, G>A. VCF-style: chr20-44413806-G-A. GRCh37 (hg19) VCF-style: chr20-43042446-G-A.
Other names: c.417+6G>A (NM_001287182.2, NM_001287183.2, NM_001287184.2); c.426+6G>A (NM_001030003.3, NM_001030004.3); c.471+6G>A (NM_001258355.2); c.492+6G>A (NM_178849.3, NM_000457.6, NM_178850.3).
Identifiers: ClinVar variation 36352 (VCV000036352.46), dbSNP rs182980547, ClinGen allele CA213950.